The following is an entry in ClinVar:

ClinVar aggregate classification (germline): Uncertain significance (1 of 4 stars; one submission).

Conditions:
Inborn genetic diseases. Identifiers: MedGen C0950123, MeSH D030342.

Submission:

Ambry Genetics
Classification: Uncertain significance for Inborn genetic diseases. Last evaluated: 2023-10-27. Review status: criteria provided, single submitter. Criteria: Ambry Variant Classification Scheme 2023. Collection method: clinical testing. Allele origin: germline.
Comment: The p.D1105E variant (also known as c.3315T>G), located in coding exon 16 of the ATR gene, results from a T to G substitution at nucleotide position 3315. The aspartic acid at codon 1105 is replaced by glutamic acid, an amino acid with highly similar properties. This amino acid position is conserved. In addition, this alteration is predicted to be tolerated by in silico analysis. Since supporting evidence is limited at this time, the clinical significance of this alteration remains unclear.

NM_001184.4(ATR):c.3315T>G (p.Asp1105Glu)

Gene: ATR (ATR checkpoint kinase; minus strand). Cytogenetic location: 3q23.
Variant type: single nucleotide variant.
Coding change: c.3315T>G on transcript NM_001184.4 (MANE Select); coding-DNA position 3315, T replaced by G.
Protein change: p.Asp1105Glu; replaces aspartic acid 1105 with glutamic acid.
Molecular consequence: missense variant.
Genome position (GRCh38, 1-based): chr3:142,547,767, A>C on the plus strand (T>G on the coding strand, the complement: ATR is on the minus strand). VCF-style: chr3-142547767-A-C. GRCh37 (hg19) VCF-style: chr3-142266609-A-C.
Other names: c.3123T>G, p.Asp1041Glu (NM_001354579.2); short protein forms D1041E, D1105E.
Identifiers: ClinVar variation 3221118 (VCV003221118.1), dbSNP rs2108450965, ClinGen allele CA354810447.
Genomic context (GRCh38, chr3:142,547,767, plus strand): 5'-ATAGAACATATTCCTTACCATCAGTTCAGGTGATATGATATCTCTCGGGCCCTGATATGG[A>C]TCATCACTGGATGCAAATGAGGCAAGTATTGACAAACCATTAAAAACCTGTTGATAGTGT-3'
Protein context (NP_001175.2, residues 1095-1115): SILASFASSD[Asp1105Glu]PYQGPRDIIS